The following is an entry in ClinVar:

NM_000355.4(TCN2):c.708C>T (p.Pro236=)

Gene: TCN2 (transcobalamin 2; plus strand). Cytogenetic location: 22q12.2.
Variant type: single nucleotide variant.
Coding change: c.708C>T on transcript NM_000355.4 (MANE Select); coding-DNA position 708, C replaced by T.
Protein change: p.Pro236=; no amino-acid change (proline 236 retained).
Molecular consequence: synonymous variant.
Genome position (GRCh38, 1-based): chr22:30,615,428, C>T. VCF-style: chr22-30615428-C-T. GRCh37 (hg19) VCF-style: chr22-31011415-C-T.
Other names: c.627C>T, p.Pro209= (NM_001184726.2).
Identifiers: ClinVar variation 724671 (VCV000724671.9), dbSNP rs762630641, ClinGen allele CA10184787.

ClinVar aggregate classification (germline): Likely benign. Review status: criteria provided, multiple submitters, no conflicts (2 of 4 stars). 2 submissions from 2 submitters: Likely benign (2). Last evaluated 2025-09-19.

Conditions:
TCN2-related disorder. Also called: TCN2-related condition.
Transcobalamin II deficiency (TCN2D). Also called: Transcolabamin II deficiency; TC II DEFICIENCY; TCN2 DEFICIENCY. Identifiers: Orphanet 859, MedGen C0342701, MONDO:0010149, OMIM 275350.

Allele frequency attached by ClinVar (database versions not stated): gnomAD 0.00001; gnomAD exomes 0.00001; ExAC 0.00002; TOPMed 0.00002.
gnomAD v4.1: 62 of 1,614,040 alleles (0.0038%); highest among the groups gnomAD compares: South Asian, 0.0077%; no homozygotes.

Submissions (2):

Labcorp Genetics (formerly Invitae), Labcorp
Classification: Likely benign for Transcobalamin II deficiency. Last evaluated: 2025-09-19. Review status: criteria provided, single submitter. Criteria: Invitae Variant Classification Sherloc (09022015). Collection method: clinical testing. Allele origin: germline.

PreventionGenetics, part of Exact Sciences
Classification: Likely benign for TCN2-related condition. Last evaluated: 2025-06-13. Review status: criteria provided, single submitter. Criteria: ACMG Guidelines, 2015. Collection method: clinical testing. Allele origin: germline.
Comment: This variant is classified as likely benign based on ACMG/AMP sequence variant interpretation guidelines (Richards et al. 2015 PMID: 25741868, with internal and published modifications).